The following is an entry in ClinVar:

ClinVar aggregate classification (germline): Pathogenic/Likely pathogenic. Review status: criteria provided, multiple submitters, no conflicts (2 of 4 stars). 3 submissions from 3 submitters: Pathogenic (1); Likely pathogenic (1). 1 of the submissions does not count toward it. Last evaluated 2025-11-20.

Conditions:
LPL-related disorder. Also called: LPL-related condition.
Hyperlipoproteinemia, type I. Also called: Hyperlipoproteinemia type 1; Hyperchylomicro-nemia familial; Familial chylomicronemia; Hyperlipemia idiopathic Burger-Grutz type; Familial hyperlipo-proteinemia type 1; Hyperlipemia essential familial. Identifiers: Orphanet 309015, Orphanet 444490, MedGen C0023817, MONDO:0009387, OMIM 238600. Disease mechanism: loss of function.

Allele frequency attached by ClinVar (database versions not stated): gnomAD exomes below 0.00001.
gnomAD v4.1: 5 of 1,614,002 alleles (0.00031%); highest among the groups gnomAD compares: Non-Finnish European, 0.00042%; no homozygotes.

Submissions (3):

Women's Health and Genetics/Laboratory Corporation of America, LabCorp
Classification: Pathogenic for Hyperlipoproteinemia, type I. Last evaluated: 2025-11-20. Review status: criteria provided, single submitter. Criteria: LabCorp Variant Classification Summary - May 2015. Collection method: clinical testing. Allele origin: germline.
Comment: Variant summary: LPL c.506G>A (p.Gly169Glu) results in a non-conservative amino acid change in the encoded protein sequence. Algorithms developed to predict the effect of missense changes on protein structure and function all suggest that this variant is likely to be disruptive. The variant allele was found at a frequency of 4e-06 in 251338 control chromosomes. c.506G>A has been observed at a homozygous state in at-least two siblings affected with Familial Lipoprotein Lipase Deficiency (example, Ameis_1991). These data indicate that the variant is likely to be associated with disease. At least one publication reports experimental evidence evaluating an impact on protein function. The most pronounced variant effect results in diminished LPL activity in COS cells (Ameis_199). The following publication has been ascertained in the context of this evaluation (PMID: 2010533). ClinVar contains an entry for this variant (Variation ID: 1532). Based on the evidence outlined above, the variant was classified as pathogenic.

PreventionGenetics, part of Exact Sciences
Classification: Likely pathogenic for LPL-related condition. Last evaluated: 2025-06-05. Review status: criteria provided, single submitter. Criteria: ACMG Guidelines, 2015. Collection method: clinical testing. Allele origin: germline.
Comment: The LPL c.506G>A variant is predicted to result in the amino acid substitution p.Gly169Glu. This variant, alternatively referred to as p.Gly142Glu using legacy nomenclature, has been reported in the homozygous state and was shown to segregate with hyperlipoproteinemia type 1 in two individuals (Ameis et al. 1991. PubMed ID: 2010533). Functional studies utilizing COS cell lines showed this variant results in inefficient cell secretion (Ameis et al. 1991. PubMed ID: 2010533; Buscà et al. 1996. PubMed ID: 8567671). This variant is reported in 0.00088% of alleles in individuals of European (non-Finnish) descent in gnomAD. This variant is interpreted as likely pathogenic.

OMIM
Classification: Pathogenic for LIPOPROTEIN LIPASE DEFICIENCY. Last evaluated: 1996-01-26. Review status: no assertion criteria provided. Collection method: literature only. Allele origin: germline. Not counted in ClinVar's aggregate classification.

Literature cited by the submitters: PubMed 2010533 (cited by Women's Health and Genetics/Laboratory Corporation of America, LabCorp and OMIM); PubMed 8567671 (cited by OMIM).

NM_000237.3(LPL):c.506G>A (p.Gly169Glu)

Gene: LPL (lipoprotein lipase; plus strand). Cytogenetic location: 8p21.3.
Variant type: single nucleotide variant.
Coding change: c.506G>A on transcript NM_000237.3 (MANE Select); coding-DNA position 506, G replaced by A.
Protein change: p.Gly169Glu; replaces glycine 169 with glutamic acid.
Molecular consequence: missense variant.
Genome position (GRCh38, 1-based): chr8:19,953,386, G>A. VCF-style: chr8-19953386-G-A. GRCh37 (hg19) VCF-style: chr8-19810897-G-A.
Other names: G142E; c.506G>A (NM_000237.2); short protein forms G169E.
Identifiers: ClinVar variation 1532 (VCV000001532.3), dbSNP rs118204063, ClinGen allele CA251871.
Genomic context (GRCh38, chr8:19,953,386, plus strand): 5'-CTCTGGACAATGTCCATCTCTTGGGATACAGCCTTGGAGCCCATGCTGCTGGCATTGCAG[G>A]AAGTCTGACCAATAAGAAAGTCAACAGAATTACTGGTAAGAAAGCAATTTCGTTGGTCTT-3'
Protein context (NP_000228.1, residues 159-179): SLGAHAAGIA[Gly169Glu]SLTNKKVNRI